The following is an entry in ClinVar:

ClinVar aggregate classification (germline): Uncertain significance (1 of 4 stars; one submission).

Conditions:
Cardiovascular phenotype. Identifiers: MedGen CN230736.

Submission:

Ambry Genetics
Classification: Uncertain significance for Cardiovascular phenotype. Last evaluated: 2024-12-20. Review status: criteria provided, single submitter. Criteria: Ambry Variant Classification Scheme 2023. Collection method: clinical testing. Allele origin: germline.
Comment: The p.Y162C variant (also known as c.485A>G), located in coding exon 4 of the TPM1 gene, results from an A to G substitution at nucleotide position 485. The tyrosine at codon 162 is replaced by cysteine, an amino acid with highly dissimilar properties. This amino acid position is highly conserved in available vertebrate species. In addition, this alteration is predicted to be deleterious by in silico analysis. Based on the available evidence, the clinical significance of this variant remains unclear.

NM_001018005.2(TPM1):c.485A>G (p.Tyr162Cys)

Gene: TPM1 (tropomyosin 1; plus strand). Cytogenetic location: 15q22.2.
Variant type: single nucleotide variant.
Coding change: c.485A>G on transcript NM_001018005.2 (MANE Select); coding-DNA position 485, A replaced by G.
Protein change: p.Tyr162Cys; replaces tyrosine 162 with cysteine.
Molecular consequence: missense variant. On other transcripts: non-coding transcript variant (17).
Genome position (GRCh38, 1-based): chr15:63,059,673, A>G. VCF-style: chr15-63059673-A-G. GRCh37 (hg19) VCF-style: chr15-63351872-A-G.
Other names: c.485A>G, p.Tyr162Cys (NM_000366.6, NM_001018004.2, NM_001018006.2 and 20 more transcripts); c.377A>G, p.Tyr126Cys (NM_001018008.2, NM_001301289.2, NM_001330344.2 and 9 more transcripts); c.611A>G, p.Tyr204Cys (NM_001365778.1, NM_001407322.1, NM_001407323.1 and 1 more transcripts); short protein forms Y162C, Y204C, Y126C.
Identifiers: ClinVar variation 3809808 (VCV003809808.1).